The following is an entry in ClinVar:

NM_000975.5(RPL11):c.124C>T (p.Gln42Ter)

Gene: RPL11 (ribosomal protein L11; plus strand). Cytogenetic location: 1p36.11.
Variant type: single nucleotide variant.
Coding change: c.124C>T on transcript NM_000975.5 (MANE Select); coding-DNA position 124, C replaced by T.
Protein change: p.Gln42Ter; replaces glutamine 42 with a stop codon.
Molecular consequence: nonsense.
Genome position (GRCh38, 1-based): chr1:23,692,726, C>T. VCF-style: chr1-23692726-C-T. GRCh37 (hg19) VCF-style: chr1-24019216-C-T.
Other names: c.121C>T, p.Gln41Ter (NM_001199802.1); short protein forms Q41*, Q42*.
Identifiers: ClinVar variation 1705531 (VCV001705531.1), dbSNP rs2523395201, ClinGen allele CA338991869.

ClinVar aggregate classification (germline): Pathogenic (1 of 4 stars; one submission).

Conditions:
Diamond-Blackfan anemia 7 (DBA7). Also called: RPL11-Related Diamond-Blackfan Anemia. Identifiers: Orphanet 124, MedGen C2675512, MONDO:0012938, OMIM 612562.

Submission:

3billion
Classification: Pathogenic for Diamond-Blackfan anemia 7. Last evaluated: 2022-09-01. Review status: criteria provided, single submitter. Criteria: ACMG Guidelines, 2015. Collection method: clinical testing. Allele origin: germline. Affected: yes. Observed: 1 heterozygote.
Comment: The variant is not observed in the gnomAD v2.1.1 dataset. Stop-gained (nonsense) is predicted to result in a loss or disruption of normal protein function through nonsense-mediated decay (NMD) or protein truncation. Multiple pathogenic variants are reported downstream of the variant. The variant has been reported to be associated with RPL11-related disorder (PMID: 30503522). Therefore, this variant is classified as Pathogenic according to the recommendation of ACMG/AMP guideline.

Literature cited by the submitters: PubMed 30503522.